The following is an entry in ClinVar:

ClinVar aggregate classification (germline): not provided (0 of 4 stars; one submission).

Allele frequency attached by ClinVar (database versions not stated): gnomAD 0.01383; ESP Exome Variant Server 0.01519; 1000 Genomes Project 0.01617; 1000 Genomes Project 30x 0.01765; TOPMed 0.01782.
gnomAD v4.1: 6,255 of 1,613,460 alleles (0.39%); highest among the groups gnomAD compares: African/African-American, 4.8%; 98 homozygotes.

Submission:

ITMI
No classification provided. Condition: AllHighlyPenetrant. Last evaluated: 2013-09-19. Review status: no classification provided. Collection method: reference population. Allele origin: germline.
Comment: Please see associated publication for description of ethnicities

Literature cited by the submitters: PubMed 24728327.

NM_001077706.3(ECT2L):c.1318T>G (p.Trp440Gly)

Gene: ECT2L (epithelial cell transforming 2 like; plus strand). Cytogenetic location: 6q24.1.
Variant type: single nucleotide variant.
Coding change: c.1318T>G on transcript NM_001077706.3 (MANE Select); coding-DNA position 1318, T replaced by G.
Protein change: p.Trp440Gly; replaces tryptophan 440 with glycine.
Molecular consequence: missense variant.
Genome position (GRCh38, 1-based): chr6:138,865,022, T>G. VCF-style: chr6-138865022-T-G. GRCh37 (hg19) VCF-style: chr6-139186159-T-G.
Other names: c.1318T>G, p.Trp440Gly (NM_001195037.2); short protein forms W440G.
Identifiers: ClinVar variation 133987 (VCV000133987.1), dbSNP rs79294486, ClinGen allele CA158341.